The following is an entry in ClinVar:

ClinVar aggregate classification (germline): Uncertain significance (1 of 4 stars; one submission).

Conditions:
NIK deficiency. Also called: Primary immunodeficiency with multifaceted aberrant lymphoid immunity. Identifiers: Orphanet 447731, MedGen C5680065, MONDO:0018642.

Allele frequency attached by ClinVar (database versions not stated): gnomAD exomes 0.00001.
gnomAD v4.1: 7 of 1,613,884 alleles (0.00043%); highest among the groups gnomAD compares: South Asian, 0.0011%; no homozygotes.

Submission:

Labcorp Genetics (formerly Invitae), Labcorp
Classification: Uncertain significance for NIK deficiency. Last evaluated: 2024-02-17. Review status: criteria provided, single submitter. Criteria: Invitae Variant Classification Sherloc (09022015). Collection method: clinical testing. Allele origin: germline.
Comment: This sequence change replaces arginine, which is basic and polar, with glutamine, which is neutral and polar, at codon 876 of the MAP3K14 protein (p.Arg876Gln). This variant is not present in population databases (gnomAD no frequency). This variant has not been reported in the literature in individuals affected with MAP3K14-related conditions. ClinVar contains an entry for this variant (Variation ID: 2122731). Experimental studies and prediction algorithms are not available or were not evaluated, and the functional significance of this variant is currently unknown. In summary, the available evidence is currently insufficient to determine the role of this variant in disease. Therefore, it has been classified as a Variant of Uncertain Significance.

NM_003954.5(MAP3K14):c.2627G>A (p.Arg876Gln)

Genes: MAP3K14 (mitogen-activated protein kinase kinase kinase 14; minus strand), MAP3K14-AS1 (MAP3K14 antisense RNA 1; plus strand). Cytogenetic location: 17q21.31.
Variant type: single nucleotide variant.
Coding change: c.2627G>A on transcript NM_003954.5 (MANE Select); coding-DNA position 2627, G replaced by A.
Protein change: p.Arg876Gln; replaces arginine 876 with glutamine.
Molecular consequence: missense variant.
Genome position (GRCh38, 1-based): chr17:45,265,215, C>T on the plus strand (G>A on the coding strand, the complement: MAP3K14 is on the minus strand). VCF-style: chr17-45265215-C-T. GRCh37 (hg19) VCF-style: chr17-43342582-C-T.
Other names: short protein forms R876Q.
Identifiers: ClinVar variation 2122731 (VCV002122731.3), dbSNP rs2508954881, ClinGen allele CA399870427.